The following is an entry in ClinVar:

ClinVar aggregate classification (germline): Likely benign (1 of 4 stars; one submission).

Conditions:
EFR3A-related disorder. Also called: EFR3A-related condition.

gnomAD v4.1: 6,668 of 1,538,238 alleles (0.43%); highest among the groups gnomAD compares: Non-Finnish European, 0.49%; 24 homozygotes.

Submission:

PreventionGenetics, part of Exact Sciences
Classification: Likely benign for EFR3A-related condition. Last evaluated: 2025-04-21. Review status: criteria provided, single submitter. Criteria: ACMG Guidelines, 2015. Collection method: clinical testing. Allele origin: germline.
Comment: This variant is classified as likely benign based on ACMG/AMP sequence variant interpretation guidelines (Richards et al. 2015 PMID: 25741868, with internal and published modifications).

NM_015137.6(EFR3A):c.1500-8G>A

Gene: EFR3A (EFR3 homolog A; plus strand). Cytogenetic location: 8q24.22.
Variant type: single nucleotide variant.
Coding change: c.1500-8G>A on transcript NM_015137.6 (MANE Select); 8 bases into the intron before coding-DNA position 1500, G replaced by A.
Molecular consequence: intron variant.
Genome position (GRCh38, 1-based): chr8:131,979,338, G>A. VCF-style: chr8-131979338-G-A. GRCh37 (hg19) VCF-style: chr8-132991585-G-A.
Other names: c.1392-8G>A (NM_001323555.2, NM_001323554.2, NM_001323553.2 and 2 more transcripts); c.1500-8G>A (NM_001323558.2).
Identifiers: ClinVar variation 4980493 (VCV004980493.1).